The following is an entry in ClinVar:

NM_005219.5(DIAPH1):c.1705G>A (p.Ala569Thr)

Gene: DIAPH1 (diaphanous related formin 1; minus strand). Cytogenetic location: 5q31.3.
Variant type: single nucleotide variant.
Coding change: c.1705G>A on transcript NM_005219.5 (MANE Select); coding-DNA position 1705, G replaced by A.
Protein change: p.Ala569Thr; replaces alanine 569 with threonine.
Molecular consequence: missense variant.
Genome position (GRCh38, 1-based): chr5:141,574,145, C>T on the plus strand (G>A on the coding strand, the complement: DIAPH1 is on the minus strand). VCF-style: chr5-141574145-C-T. GRCh37 (hg19) VCF-style: chr5-140953712-C-T.
Other names: c.1678G>A, p.Ala560Thr (NM_001079812.3); c.1705G>A, p.Ala569Thr (NM_001314007.2); short protein forms A560T, A569T.
Identifiers: ClinVar variation 3756433 (VCV003756433.2).

ClinVar aggregate classification (germline): Uncertain significance (1 of 4 stars; one submission).

Conditions:
Autosomal dominant nonsyndromic hearing loss 1. Also called: KONIGSMARK SYNDROME; DEAFNESS, AUTOSOMAL DOMINANT 1, WITH OR WITHOUT THROMBOCYTOPENIA. Identifiers: Orphanet 90635, MedGen C1852282, MONDO:0007424, OMIM 124900.
Progressive microcephaly-seizures-cortical blindness-developmental delay syndrome. Also called: Seizures, cortical blindness, and microcephaly syndrome. Identifiers: Orphanet 477814, MedGen C5567650, MONDO:0014714, OMIM 616632.

Submission:

Labcorp Genetics (formerly Invitae), Labcorp
Classification: Uncertain significance for Progressive microcephaly-seizures-cortical blindness-developmental delay syndrome; Autosomal dominant nonsyndromic hearing loss 1. Last evaluated: 2024-05-19. Review status: criteria provided, single submitter. Criteria: Invitae Variant Classification Sherloc (09022015). Collection method: clinical testing. Allele origin: germline.
Comment: This sequence change replaces alanine, which is neutral and non-polar, with threonine, which is neutral and polar, at codon 569 of the DIAPH1 protein (p.Ala569Thr). This variant is not present in population databases (gnomAD no frequency). This variant has not been reported in the literature in individuals affected with DIAPH1-related conditions. Experimental studies and prediction algorithms are not available or were not evaluated, and the functional significance of this variant is currently unknown. In summary, the available evidence is currently insufficient to determine the role of this variant in disease. Therefore, it has been classified as a Variant of Uncertain Significance.